The following is an entry in ClinVar:

NM_006767.4(LZTR1):c.994-1G>C

Gene: LZTR1 (leucine zipper like post translational regulator 1; plus strand). Cytogenetic location: 22q11.21.
Variant type: single nucleotide variant.
Coding change: c.994-1G>C on transcript NM_006767.4 (MANE Select); the canonical splice acceptor site of the intron before coding-DNA position 994, G replaced by C.
Molecular consequence: splice acceptor variant.
Genome position (GRCh38, 1-based): chr22:20,992,213, G>C. VCF-style: chr22-20992213-G-C. GRCh37 (hg19) VCF-style: chr22-21346502-G-C.
Identifiers: ClinVar variation 5023724 (VCV005023724.1).
Genomic context (GRCh38, chr22:20,992,213, plus strand): 5'-CTCTGGGCACCTACCTGGCCCTTGCCAACTGGTCTCATGCCCATGTGTCTCCCCTCTTCA[G>C]GTTGGTGGGGCTGAAGTGCCCGAGCGAGCCTGTGCTTCCGAGGAGGTGCCCACCCTGACC-3'

ClinVar aggregate classification (germline): Likely pathogenic (1 of 4 stars; one submission).

Conditions:
Cardiovascular phenotype. Identifiers: MedGen CN230736.
Hereditary cancer-predisposing syndrome. Also called: Neoplastic Syndromes, Hereditary; Tumor predisposition; Hereditary neoplastic syndrome; Hereditary Cancer Syndrome. Identifiers: Orphanet 140162, MedGen C0027672, MeSH D009386, MONDO:0015356.

gnomAD v4.1: 2 of 1,613,132 alleles (0.00012%); highest among the groups gnomAD compares: Non-Finnish European, 0.00017%; no homozygotes.

Submission:

Ambry Genetics
Classification: Likely pathogenic for Cardiovascular phenotype; Hereditary cancer-predisposing syndrome. Last evaluated: 2026-08-20. Review status: criteria provided, single submitter. Criteria: Ambry Variant Classification Scheme 2023. Collection method: clinical testing. Allele origin: germline.
Comment: The c.994-1G>C intronic variant results from a G to C substitution one nucleotide upstream from coding exon 10 of the LZTR1 gene. This variant is considered to be rare based on population cohorts in the Genome Aggregation Database (gnomAD). This nucleotide position is highly conserved in available vertebrate species. In silico splice site analysis predicts that this alteration will weaken the native splice acceptor site and will result in the creation or strengthening of a novel splice acceptor site. RNA studies have demonstrated that this variant results in abnormal splicing in the set of samples tested (Ambry internal data). Loss-of-function variants in LZTR1 are related to an increased risk for schwannomas and autosomal recessive Noonan syndrome; however, such associations with autosomal dominant Noonan syndrome have not been observed (Piotrowski A et al. Nat Genet. 2014 Feb;46:182-7; Yamamoto GL et al. J Med Genet. 2015 Jun;52:413-21; Johnston JJ et al. Genet Med. 2018 10;20:1175-1185). Based on the supporting evidence, this variant is likely pathogenic for an increased risk of LZTR1-related schwannomatosis (SWN) and would be expected to cause autosomal recessive Noonan syndrome when present along with a second pathogenic or likely pathogenic variant on the other allele; however, the association of this variant with autosomal dominant Noonan syndrome is unlikely.